The following is an entry in ClinVar:

ClinVar aggregate classification (germline): Uncertain significance (1 of 4 stars; one submission).

gnomAD v4.1: 33 of 1,366,368 alleles (0.0024%); highest among the groups gnomAD compares: African/African-American, 0.003%; no homozygotes.

Submission:

Labcorp Genetics (formerly Invitae), Labcorp
Classification: Uncertain significance. Last evaluated: 2022-08-05. Review status: criteria provided, single submitter. Criteria: Invitae Variant Classification Sherloc (09022015). Collection method: clinical testing. Allele origin: germline.
Comment: In summary, the available evidence is currently insufficient to determine the role of this variant in disease. Therefore, it has been classified as a Variant of Uncertain Significance. Algorithms developed to predict the effect of missense changes on protein structure and function output the following: SIFT: "Not Available"; PolyPhen-2: "Benign"; Align-GVGD: "Not Available". The glutamic acid amino acid residue is found in multiple mammalian species, which suggests that this missense change does not adversely affect protein function. This variant has not been reported in the literature in individuals affected with LIPT2-related conditions. This variant is not present in population databases (gnomAD no frequency). This sequence change replaces aspartic acid, which is acidic and polar, with glutamic acid, which is acidic and polar, at codon 148 of the LIPT2 protein (p.Asp148Glu).

NM_001144869.3(LIPT2):c.444C>A (p.Asp148Glu)

Gene: LIPT2 (lipoyl(octanoyl) transferase 2; minus strand). Cytogenetic location: 11q13.4.
Variant type: single nucleotide variant.
Coding change: c.444C>A on transcript NM_001144869.3 (MANE Select); coding-DNA position 444, C replaced by A.
Protein change: p.Asp148Glu; replaces aspartic acid 148 with glutamic acid.
Molecular consequence: missense variant. On other transcripts: intron variant (1).
Genome position (GRCh38, 1-based): chr11:74,493,260, G>T on the plus strand (C>A on the coding strand, the complement: LIPT2 is on the minus strand). VCF-style: chr11-74493260-G-T. GRCh37 (hg19) VCF-style: chr11-74204305-G-T.
Other names: c.444C>A, p.Asp148Glu (NM_001329941.2); c.237+207C>A (NM_001329942.2); short protein forms D148E.
Identifiers: ClinVar variation 1954719 (VCV001954719.5), dbSNP rs376565466, ClinGen allele CA381976385.